The following is an entry in ClinVar:

NM_000038.6(APC):c.4094G>T (p.Gly1365Val)

Gene: APC (APC regulator of Wnt signaling pathway; plus strand). Cytogenetic location: 5q22.2.
Variant type: single nucleotide variant.
Coding change: c.4094G>T on transcript NM_000038.6 (MANE Select); coding-DNA position 4094, G replaced by T.
Protein change: p.Gly1365Val; replaces glycine 1365 with valine.
Molecular consequence: missense variant.
Genome position (GRCh38, 1-based): chr5:112,839,688, G>T. VCF-style: chr5-112839688-G-T. GRCh37 (hg19) VCF-style: chr5-112175385-G-T.
Other names: c.4040G>T, p.Gly1347Val (NM_001127511.3); c.4094G>T, p.Gly1365Val (NM_001354895.2, NM_001127510.3); c.4148G>T, p.Gly1383Val (NM_001354896.2); c.4124G>T, p.Gly1375Val (NM_001354897.2); c.4019G>T, p.Gly1340Val (NM_001354898.2); c.4010G>T, p.Gly1337Val (NM_001354899.2); c.3971G>T, p.Gly1324Val (NM_001354900.2); c.3917G>T, p.Gly1306Val (NM_001354901.2); and 6 more; short protein forms G1205V, G1264V, G1324V, G1306V, G1347V, G1375V, G1383V, G1239V.
Identifiers: ClinVar variation 1472561 (VCV001472561.9), dbSNP rs1554085511, ClinGen allele CA16030300.

ClinVar aggregate classification (germline): Uncertain significance. Review status: criteria provided, multiple submitters, no conflicts (2 of 4 stars). 2 submissions from 2 submitters: Uncertain significance (2). Last evaluated 2025-03-11.

Conditions:
Hereditary cancer-predisposing syndrome. Also called: Neoplastic Syndromes, Hereditary; Hereditary Cancer Syndrome; Tumor predisposition; Hereditary neoplastic syndrome. Identifiers: Orphanet 140162, MedGen C0027672, MeSH D009386, MONDO:0015356.
Familial adenomatous polyposis 1 (FAP1). Also called: FAMILIAL ADENOMATOUS POLYPOSIS 1, ATTENUATED; POLYPOSIS, ADENOMATOUS INTESTINAL. Identifiers: MedGen C2713442, MONDO:0021056, OMIM 175100. Disease mechanism: loss of function.

Submissions (2):

Ambry Genetics
Classification: Uncertain significance for Hereditary cancer-predisposing syndrome. Last evaluated: 2025-03-11. Review status: criteria provided, single submitter. Criteria: Ambry Variant Classification Scheme 2023. Collection method: clinical testing. Allele origin: germline.
Comment: The p.G1365V variant (also known as c.4094G>T), located in coding exon 15 of the APC gene, results from a G to T substitution at nucleotide position 4094. The glycine at codon 1365 is replaced by valine, an amino acid with dissimilar properties. This variant was detected in 0 of 1292 individuals with biliary tract cancer and 1 of 37583 controls without a personal or family history of cancer (Okawa Y et al. J Hepatol, 2023 Feb;78:333-342). This amino acid position is highly conserved in available vertebrate species. In addition, in silico predictors for this gene do not accurately predict pathogenicity. Missense alterations in APC are not a common cause of disease (Spier I et al. Genet Med. 2024 Feb;26(2):100992). Based on the available evidence, the clinical significance of this variant remains unclear.

Labcorp Genetics (formerly Invitae), Labcorp
Classification: Uncertain significance for Familial adenomatous polyposis 1. Last evaluated: 2024-08-12. Review status: criteria provided, single submitter. Criteria: Invitae Variant Classification Sherloc (09022015). Collection method: clinical testing. Allele origin: germline.
Comment: This sequence change replaces glycine, which is neutral and non-polar, with valine, which is neutral and non-polar, at codon 1365 of the APC protein (p.Gly1365Val). This variant is not present in population databases (gnomAD no frequency). This variant has not been reported in the literature in individuals affected with APC-related conditions. ClinVar contains an entry for this variant (Variation ID: 1472561). Advanced modeling of protein sequence and biophysical properties (such as structural, functional, and spatial information, amino acid conservation, physicochemical variation, residue mobility, and thermodynamic stability) performed at Invitae indicates that this missense variant is not expected to disrupt APC protein function with a negative predictive value of 95%. In summary, the available evidence is currently insufficient to determine the role of this variant in disease. Therefore, it has been classified as a Variant of Uncertain Significance.

Literature cited by the submitters: PubMed 36243179 (cited by Ambry Genetics).